The following is an entry in ClinVar:

NM_001041.4(SI):c.3421G>A (p.Gly1141Ser)

Gene: SI (sucrase-isomaltase; minus strand). Cytogenetic location: 3q26.1.
Variant type: single nucleotide variant.
Coding change: c.3421G>A on transcript NM_001041.4 (MANE Select); coding-DNA position 3421, G replaced by A.
Protein change: p.Gly1141Ser; replaces glycine 1141 with serine.
Molecular consequence: missense variant.
Genome position (GRCh38, 1-based): chr3:165,019,604, C>T on the plus strand (G>A on the coding strand, the complement: SI is on the minus strand). VCF-style: chr3-165019604-C-T. GRCh37 (hg19) VCF-style: chr3-164737392-C-T.
Other names: short protein forms G1141S.
Identifiers: ClinVar variation 1462115 (VCV001462115.10), dbSNP rs368953032, ClinGen allele CA86512725.

ClinVar aggregate classification (germline): Uncertain significance. Review status: criteria provided, multiple submitters, no conflicts (2 of 4 stars). 3 submissions from 3 submitters: Uncertain significance (3). Last evaluated 2026-04-14.

Allele frequency attached by ClinVar (database versions not stated): TOPMed 0.00001; ESP Exome Variant Server 0.00008.

Submissions (3):

Women's Health and Genetics/Laboratory Corporation of America, LabCorp
Classification: Uncertain significance. Last evaluated: 2026-04-14. Review status: criteria provided, single submitter. Criteria: LabCorp Variant Classification Summary - May 2015. Collection method: clinical testing. Allele origin: germline.
Comment: Variant summary: SI c.3421G>A (p.Gly1141Ser) results in a non-conservative amino acid change in the encoded protein sequence. Algorithms developed to predict the effect of missense changes on protein structure and function all suggest that this variant is likely to be disruptive. Consensus agreement among computation tools predict no significant impact on normal splicing. However, these predictions have yet to be confirmed by functional studies. The variant was absent in 250832 control chromosomes. The available data on variant occurrences in the general population are insufficient to allow any conclusion about variant significance. To our knowledge, no occurrence of c.3421G>A in individuals affected with SI-related conditions and no experimental evidence demonstrating its impact on protein function have been reported. ClinVar contains an entry for this variant (Variation ID: 1462115). Based on the evidence outlined above, the variant was classified as uncertain significance.

Labcorp Genetics (formerly Invitae), Labcorp
Classification: Uncertain significance. Last evaluated: 2021-06-16. Review status: criteria provided, single submitter. Criteria: Invitae Variant Classification Sherloc (09022015). Collection method: clinical testing. Allele origin: germline.
Comment: In summary, the available evidence is currently insufficient to determine the role of this variant in disease. Therefore, it has been classified as a Variant of Uncertain Significance. Algorithms developed to predict the effect of missense changes on protein structure and function are either unavailable or do not agree on the potential impact of this missense change (SIFT: "Deleterious"; PolyPhen-2: "Probably Damaging"; Align-GVGD: "Class C0"). This variant has not been reported in the literature in individuals with SI-related conditions. This variant is not present in population databases (ExAC no frequency). This sequence change replaces glycine with serine at codon 1141 of the SI protein (p.Gly1141Ser). The glycine residue is highly conserved and there is a small physicochemical difference between glycine and serine.

Breakthrough Genomics
Classification: Uncertain significance. Review status: criteria provided, single submitter. Criteria: ACMG Guidelines, 2015. Collection method: not provided. Allele origin: germline. Inheritance: Autosomal recessive inheritance. Affected: yes.